The following is an entry in ClinVar:

ClinVar aggregate classification (germline): Benign/Likely benign. Review status: criteria provided, multiple submitters, no conflicts (2 of 4 stars). 5 submissions from 5 submitters: Benign (1); Likely benign (4). Last evaluated 2026-01-29.

Conditions:
HYPERHOMOCYSTEINEMIA, THROMBOTIC, CBS-RELATED. Identifiers: MedGen C3150344, OMIM 236200.
Classic homocystinuria. Also called: Homocystinuria due to Cystathionine Beta-Synthase Deficiency; HOMOCYSTINURIA WITH OR WITHOUT RESPONSE TO PYRIDOXINE; Homocystinuria due to CBS deficiency; Cystathionine beta-synthase deficiency; CBS deficiency. Identifiers: Orphanet 394, MedGen C0751202, MONDO:0009352, OMIM 236200.

Allele frequency attached by ClinVar (database versions not stated): 1000 Genomes Project 0.00160.

Submissions (5):

Labcorp Genetics (formerly Invitae), Labcorp
Classification: Benign for HYPERHOMOCYSTEINEMIA, THROMBOTIC, CBS-RELATED. Last evaluated: 2026-01-29. Review status: criteria provided, single submitter. Criteria: Invitae Variant Classification Sherloc (09022015). Collection method: clinical testing. Allele origin: germline.

ARUP Laboratories, Molecular Genetics and Genomics, ARUP Laboratories
Classification: Likely benign. Last evaluated: 2021-07-21. Review status: criteria provided, single submitter. Criteria: ARUP Molecular Germline Variant Investigation Process 2021. Collection method: clinical testing. Allele origin: germline.

Illumina Laboratory Services, Illumina
Classification: Likely benign for Classic homocystinuria. Last evaluated: 2018-01-12. Review status: criteria provided, single submitter. Criteria: ICSL Variant Classification Criteria 13 December 2019. Collection method: clinical testing. Allele origin: germline.
Comment: This variant was observed in the ICSL laboratory as part of a predisposition screen in an ostensibly healthy population. It had not been previously curated by ICSL or reported in the Human Gene Mutation Database (HGMD: prior to June 1st, 2018), and was therefore a candidate for classification through an automated scoring system. Utilizing variant allele frequency, disease prevalence and penetrance estimates, and inheritance mode, an automated score was calculated to assess if this variant is too frequent to cause the disease. Based on the score and internal cut-off values, a variant classified as likely benign is not then subjected to further curation. The score for this variant resulted in a classification of likely benign for this disease.

GeneDx
Classification: Likely benign. Last evaluated: 2018-01-03. Review status: criteria provided, single submitter. Criteria: GeneDx Variant Classification (06012015). Collection method: clinical testing. Allele origin: germline. Affected: yes.
Comment: This variant is considered likely benign or benign based on one or more of the following criteria: it is a conservative change, it occurs at a poorly conserved position in the protein, it is predicted to be benign by multiple in silico algorithms, and/or has population frequency not consistent with disease.

PreventionGenetics, part of Exact Sciences
Classification: Likely benign. Review status: criteria provided, single submitter. Criteria: ACMG Guidelines, 2015. Collection method: clinical testing. Allele origin: germline.

NM_000071.3(CBS):c.1358+15C>G

Gene: CBS (cystathionine beta-synthase; minus strand). Cytogenetic location: 21q22.3.
Variant type: single nucleotide variant.
Coding change: c.1358+15C>G on transcript NM_000071.3 (MANE Select); 15 bases into the intron after coding-DNA position 1358, C replaced by G.
Molecular consequence: intron variant.
Genome position (GRCh38, 1-based): chr21:43,058,819, G>C on the plus strand (C>G on the coding strand, the complement: CBS is on the minus strand). VCF-style: chr21-43058819-G-C. GRCh37 (hg19) VCF-style: chr21-44478929-G-C.
Other names: c.1358+15C>G (NM_001320298.2, NM_001178009.3, NM_001178008.3); c.1043+15C>G (NM_001321072.1).
Identifiers: ClinVar variation 254878 (VCV000254878.19), dbSNP rs186497436, ClinGen allele CA10587359.
Genomic context (GRCh38, chr21:43,058,819, plus strand): 5'-GTCCAGTGACACTGACGGGGTGGAGCTGGGCAGACAGAACCCAGGACTGAGCTCTGAGCA[G>C]GGGCTGAGACTGACCCCGCCTCATCCACCACGGGCGCCTGGTCGAAGCCCTTCTCCCGGA-3'